The following is an entry in ClinVar:

ClinVar aggregate classification (germline): Uncertain significance (1 of 4 stars; one submission).

Submission:

GeneDx
Classification: Uncertain significance. Last evaluated: 2019-11-13. Review status: criteria provided, single submitter. Criteria: GeneDx Variant Classification Process June 2021. Collection method: clinical testing. Allele origin: germline. Affected: yes.
Comment: Not observed in large population cohorts (Lek et al., 2016); In silico analysis, which includes protein predictors and evolutionary conservation, supports that this variant does not alter protein structure/function; Has not been previously published as pathogenic or benign to our knowledge

NM_001374736.1(DST):c.86T>G (p.Ile29Ser)

Gene: DST (dystonin; minus strand). Cytogenetic location: 6p12.1.
Variant type: single nucleotide variant.
Coding change: c.86T>G on transcript NM_001374736.1 (MANE Select); coding-DNA position 86, T replaced by G.
Protein change: p.Ile29Ser; replaces isoleucine 29 with serine.
Molecular consequence: missense variant.
Genome position (GRCh38, 1-based): chr6:56,954,502, A>C on the plus strand (T>G on the coding strand, the complement: DST is on the minus strand). VCF-style: chr6-56954502-A-C. GRCh37 (hg19) VCF-style: chr6-56819300-A-C.
Other names: c.86T>G, p.Ile29Ser (NM_001144769.5, NM_001374722.1, NM_001374734.1); short protein forms I29S.
Identifiers: ClinVar variation 1304689 (VCV001304689.2), dbSNP rs2127830246, ClinGen allele CA364620593.